The following is an entry in ClinVar:

NM_001032999.3(CBFA2T2):c.1466A>G (p.Asn489Ser)

Gene: CBFA2T2 (CBFA2/RUNX1 partner transcriptional co-repressor 2; plus strand). Cytogenetic location: 20q11.22.
Variant type: single nucleotide variant.
Coding change: c.1466A>G on transcript NM_001032999.3 (MANE Select); coding-DNA position 1466, A replaced by G.
Protein change: p.Asn489Ser; replaces asparagine 489 with serine.
Molecular consequence: missense variant.
Genome position (GRCh38, 1-based): chr20:33,640,509, A>G. VCF-style: chr20-33640509-A-G. GRCh37 (hg19) VCF-style: chr20-32228315-A-G.
Other names: NC_000020.10:g.32228315A>G; c.1406A>G, p.Asn469Ser (NM_001039709.2); c.1493A>G, p.Asn498Ser (NM_005093.4); short protein forms N469S, N489S, N498S.
Identifiers: ClinVar variation 3024887 (VCV003024887.23), dbSNP rs75180889, ClinGen allele CA9817686.

ClinVar aggregate classification (germline): Likely benign (1 of 4 stars; one submission).

Allele frequency attached by ClinVar (database versions not stated): 1000 Genomes Project 0.00160; 1000 Genomes Project 30x 0.00187; gnomAD 0.00295; TOPMed 0.00319; ExAC 0.00320; ESP Exome Variant Server 0.00408.
gnomAD v4.1: 6,210 of 1,614,206 alleles (0.38%); highest among the groups gnomAD compares: Non-Finnish European, 0.45%; 17 homozygotes.

Submissions (28):

CeGaT Center for Human Genetics Tuebingen
Classification: Likely benign. Last evaluated: 2026-09-01. Review status: criteria provided, single submitter. Criteria: CeGaT Center For Human Genetics Tuebingen Variant Classification Criteria Version 2. Collection method: clinical testing. Allele origin: germline. Affected: yes. Observed: 3 variant alleles.
Comment: CBFA2T2: BS2

Dr. Peter K. Rogan Lab, Western University
No classification provided (evidence only). Condition: Malignant tumor of urinary bladder. Review status: no classification provided. Collection method: in vitro. Allele origin: not applicable. Functional consequence: retained intron. Not counted in ClinVar's aggregate classification.

Dr. Peter K. Rogan Lab, Western University
No classification provided (evidence only). Condition: Malignant tumor of urinary bladder. Review status: no classification provided. Collection method: in vitro. Allele origin: not applicable. Functional consequence: retained intron. Not counted in ClinVar's aggregate classification.

Dr. Peter K. Rogan Lab, Western University
No classification provided (evidence only). Condition: Malignant tumor of urinary bladder. Review status: no classification provided. Collection method: in vitro. Allele origin: not applicable. Functional consequence: retained intron. Not counted in ClinVar's aggregate classification.

Dr. Peter K. Rogan Lab, Western University
No classification provided (evidence only). Condition: Clear cell carcinoma of kidney. Review status: no classification provided. Collection method: in vitro. Allele origin: not applicable. Functional consequence: skipped exon. Not counted in ClinVar's aggregate classification.

Dr. Peter K. Rogan Lab, Western University
No classification provided (evidence only). Condition: Lung cancer. Review status: no classification provided. Collection method: in vitro. Allele origin: not applicable. Functional consequence: skipped exon, retained intron. Not counted in ClinVar's aggregate classification.

Dr. Peter K. Rogan Lab, Western University
No classification provided (evidence only). Condition: Lung cancer. Review status: no classification provided. Collection method: in vitro. Allele origin: not applicable. Functional consequence: retained intron. Not counted in ClinVar's aggregate classification.

Dr. Peter K. Rogan Lab, Western University
No classification provided (evidence only). Condition: Lung cancer. Review status: no classification provided. Collection method: in vitro. Allele origin: not applicable. Functional consequence: retained intron. Not counted in ClinVar's aggregate classification.

Dr. Peter K. Rogan Lab, Western University
No classification provided (evidence only). Condition: Melanoma. Review status: no classification provided. Collection method: in vitro. Allele origin: not applicable. Functional consequence: skipped exon. Not counted in ClinVar's aggregate classification.

Dr. Peter K. Rogan Lab, Western University
No classification provided (evidence only). Condition: Familial cancer of breast. Review status: no classification provided. Collection method: in vitro. Allele origin: not applicable. Functional consequence: retained intron. Not counted in ClinVar's aggregate classification.

Dr. Peter K. Rogan Lab, Western University
No classification provided (evidence only). Condition: Colorectal cancer. Review status: no classification provided. Collection method: in vitro. Allele origin: not applicable. Functional consequence: retained intron. Not counted in ClinVar's aggregate classification.

Dr. Peter K. Rogan Lab, Western University
No classification provided (evidence only). Condition: Uterine corpus endometrial carcinoma. Review status: no classification provided. Collection method: in vitro. Allele origin: not applicable. Functional consequence: retained intron. Not counted in ClinVar's aggregate classification.

Dr. Peter K. Rogan Lab, Western University
No classification provided (evidence only). Condition: Cervical cancer. Review status: no classification provided. Collection method: in vitro. Allele origin: not applicable. Functional consequence: retained intron. Not counted in ClinVar's aggregate classification.

Dr. Peter K. Rogan Lab, Western University
No classification provided (evidence only). Condition: Cervical cancer. Review status: no classification provided. Collection method: in vitro. Allele origin: not applicable. Functional consequence: retained intron. Not counted in ClinVar's aggregate classification.

Dr. Peter K. Rogan Lab, Western University
No classification provided (evidence only). Condition: Sarcoma. Review status: no classification provided. Collection method: in vitro. Allele origin: not applicable. Functional consequence: retained intron. Not counted in ClinVar's aggregate classification.

Dr. Peter K. Rogan Lab, Western University
No classification provided (evidence only). Condition: Hepatocellular carcinoma. Review status: no classification provided. Collection method: in vitro. Allele origin: not applicable. Functional consequence: retained intron. Not counted in ClinVar's aggregate classification.

Dr. Peter K. Rogan Lab, Western University
No classification provided (evidence only). Condition: Hepatocellular carcinoma. Review status: no classification provided. Collection method: in vitro. Allele origin: not applicable. Functional consequence: retained intron. Not counted in ClinVar's aggregate classification.

Dr. Peter K. Rogan Lab, Western University
No classification provided (evidence only). Condition: Hepatocellular carcinoma. Review status: no classification provided. Collection method: in vitro. Allele origin: not applicable. Functional consequence: retained intron. Not counted in ClinVar's aggregate classification.

Dr. Peter K. Rogan Lab, Western University
No classification provided (evidence only). Condition: Hepatocellular carcinoma. Review status: no classification provided. Collection method: in vitro. Allele origin: not applicable. Functional consequence: skipped exon. Not counted in ClinVar's aggregate classification.

Dr. Peter K. Rogan Lab, Western University
No classification provided (evidence only). Condition: Ovarian serous cystadenocarcinoma. Review status: no classification provided. Collection method: in vitro. Allele origin: not applicable. Functional consequence: retained intron. Not counted in ClinVar's aggregate classification.

Dr. Peter K. Rogan Lab, Western University
No classification provided (evidence only). Condition: Ovarian serous cystadenocarcinoma. Review status: no classification provided. Collection method: in vitro. Allele origin: not applicable. Functional consequence: retained intron. Not counted in ClinVar's aggregate classification.

Dr. Peter K. Rogan Lab, Western University
No classification provided (evidence only). Condition: Ovarian serous cystadenocarcinoma. Review status: no classification provided. Collection method: in vitro. Allele origin: not applicable. Functional consequence: retained intron. Not counted in ClinVar's aggregate classification.

Dr. Peter K. Rogan Lab, Western University
No classification provided (evidence only). Condition: Gastric cancer. Review status: no classification provided. Collection method: in vitro. Allele origin: not applicable. Functional consequence: retained intron. Not counted in ClinVar's aggregate classification.

Dr. Peter K. Rogan Lab, Western University
No classification provided (evidence only). Condition: Gastric cancer. Review status: no classification provided. Collection method: in vitro. Allele origin: not applicable. Functional consequence: retained intron. Not counted in ClinVar's aggregate classification.

Dr. Peter K. Rogan Lab, Western University
No classification provided (evidence only). Condition: Uveal melanoma. Review status: no classification provided. Collection method: in vitro. Allele origin: not applicable. Functional consequence: retained intron. Not counted in ClinVar's aggregate classification.

Dr. Peter K. Rogan Lab, Western University
No classification provided (evidence only). Condition: Malignant tumor of esophagus. Review status: no classification provided. Collection method: in vitro. Allele origin: not applicable. Functional consequence: skipped exon, retained intron. Not counted in ClinVar's aggregate classification.

Dr. Peter K. Rogan Lab, Western University
No classification provided (evidence only). Condition: Malignant tumor of esophagus. Review status: no classification provided. Collection method: in vitro. Allele origin: not applicable. Functional consequence: retained intron. Not counted in ClinVar's aggregate classification.

Dr. Peter K. Rogan Lab, Western University
No classification provided (evidence only). Condition: Malignant tumor of esophagus. Review status: no classification provided. Collection method: in vitro. Allele origin: not applicable. Functional consequence: retained intron. Not counted in ClinVar's aggregate classification.